The following is an entry in ClinVar:

NC_000002.11:g.(?_182413259)_(182438621_?)del

Gene: CERKL (ceramide kinase like; minus strand). Cytogenetic location: 2q31.3.
Variant type: Deletion.
Identifiers: ClinVar variation 2423494 (VCV002423494.3).

ClinVar aggregate classification (germline): Pathogenic (1 of 4 stars; one submission).

Submission:

Labcorp Genetics (formerly Invitae), Labcorp
Classification: Pathogenic. Last evaluated: 2021-09-01. Review status: criteria provided, single submitter. Criteria: Invitae Variant Classification Sherloc (09022015). Collection method: clinical testing. Allele origin: germline.
Comment: This variant is an out-of-frame deletion of the genomic region encompassing exon(s) 3-9 of the CERKL gene. This is expected to create a premature translational stop signal and result in an absent or disrupted protein product. This variant has not been reported in the literature in individuals with CERKL-related conditions. Loss-of-function variants in CERKL are known to be pathogenic (PMID: 14681825, 24043777). For these reasons, this variant has been classified as Pathogenic.

Literature cited by the submitters: PubMed 14681825; PubMed 24043777.